The following is an entry in ClinVar:

ClinVar aggregate classification (germline): Pathogenic (1 of 4 stars; one submission).

Submission:

Labcorp Genetics (formerly Invitae), Labcorp
Classification: Pathogenic. Last evaluated: 2023-03-07. Review status: criteria provided, single submitter. Criteria: Invitae Variant Classification Sherloc (09022015). Collection method: clinical testing. Allele origin: unknown.
Comment: This variant has not been reported in the literature in individuals affected with VPS13A-related conditions. This variant is a gross deletion of the genomic region encompassing exon(s) 36-70 of the VPS13A gene. This deletion is out-of-frame, and is expected to create a premature termination codon and result in an absent or disrupted protein product. Loss-of-function variants in VPS13A are known to be pathogenic (PMID: 12404112, 21598378). For these reasons, this variant has been classified as Pathogenic.

Literature cited by the submitters: PubMed 12404112; PubMed 21598378.

NC_000009.11:g.(?_79928888)_(80020923_?)del

Gene: VPS13A (vacuolar protein sorting 13 homolog A; plus strand). Cytogenetic location: 9q21.2.
Variant type: Deletion.
Identifiers: ClinVar variation 3245375 (VCV003245375.1).